The following is an entry in ClinVar:

ClinVar aggregate classification (germline): Uncertain significance (0 of 4 stars; one submission).

Conditions:
PLXNA4-related disorder. Also called: PLXNA4-related condition.

gnomAD v4.1: 1 of 1,614,204 alleles (0.000062%); highest among the groups gnomAD compares: Non-Finnish European, 0.000085%; no homozygotes.

Submission:

PreventionGenetics, part of Exact Sciences
Classification: Uncertain significance for PLXNA4-related condition. Last evaluated: 2024-08-07. Review status: no assertion criteria provided. Collection method: clinical testing. Allele origin: germline.
Comment: The PLXNA4 c.5174A>G variant is predicted to result in the amino acid substitution p.Asp1725Gly. To our knowledge, this variant has not been reported in the literature or in a large population database, indicating this variant is rare. At this time, the clinical significance of this variant is uncertain due to the absence of conclusive functional and genetic evidence.

NM_020911.2(PLXNA4):c.5174A>G (p.Asp1725Gly)

Gene: PLXNA4 (plexin A4; minus strand). Cytogenetic location: 7q32.3.
Variant type: single nucleotide variant.
Coding change: c.5174A>G on transcript NM_020911.2 (MANE Select); coding-DNA position 5174, A replaced by G.
Protein change: p.Asp1725Gly; replaces aspartic acid 1725 with glycine.
Molecular consequence: missense variant.
Genome position (GRCh38, 1-based): chr7:132,145,170, T>C on the plus strand (A>G on the coding strand, the complement: PLXNA4 is on the minus strand). VCF-style: chr7-132145170-T-C. GRCh37 (hg19) VCF-style: chr7-131829929-T-C.
Other names: c.5174A>G, p.Asp1725Gly (NM_001393897.1); short protein forms D1725G.
Identifiers: ClinVar variation 3346195 (VCV003346195.1).